The following is an entry in ClinVar:

NM_000288.4(PEX7):c.315A>T (p.Gln105His)

Gene: PEX7 (peroxisomal biogenesis factor 7; plus strand). Cytogenetic location: 6q23.3.
Variant type: single nucleotide variant.
Coding change: c.315A>T on transcript NM_000288.4 (MANE Select); coding-DNA position 315, A replaced by T.
Protein change: p.Gln105His; replaces glutamine 105 with histidine.
Molecular consequence: missense variant.
Genome position (GRCh38, 1-based): chr6:136,826,445, A>T. VCF-style: chr6-136826445-A-T. GRCh37 (hg19) VCF-style: chr6-137147583-A-T.
Other names: c.315A>T (NM_000288.3); short protein forms Q105H.
Identifiers: ClinVar variation 1158849 (VCV001158849.11), dbSNP rs767901695, ClinGen allele CA4017549.

ClinVar aggregate classification (germline): Conflicting classifications of pathogenicity. Review status: criteria provided, conflicting classifications (1 of 4 stars). 2 submissions from 2 submitters: Uncertain significance (1); Likely benign (1). Last evaluated 2026-09-14.

Conditions:
Peroxisome biogenesis disorder 9B. Also called: PEX7-Related Refsum Disease; Refsum disease, adult, 2; PEROXISOME BIOGENESIS DISORDER, PEX7-RELATED, ATYPICAL. Identifiers: Orphanet 773, MedGen C2749346, MONDO:0013945, OMIM 614879.

Allele frequency attached by ClinVar (database versions not stated): TOPMed 0.00001; gnomAD exomes 0.00007; ExAC 0.00015.
gnomAD v4.1: 62 of 1,613,908 alleles (0.0038%); highest among the groups gnomAD compares: Non-Finnish European, 0.0037%; no homozygotes.

Submissions (2):

GeneDx
Classification: Uncertain significance. Last evaluated: 2026-09-14. Review status: criteria provided, single submitter. Criteria: GeneDx Variant Classification Process June 2021. Collection method: clinical testing. Allele origin: germline.
Comment: Not observed at significant frequency in large population cohorts (gnomAD); In silico analysis supports that this missense variant has a deleterious effect on protein structure/function; Has not been previously published as pathogenic or benign to our knowledge

Labcorp Genetics (formerly Invitae), Labcorp
Classification: Likely benign for Peroxisome biogenesis disorder 9B. Last evaluated: 2024-02-24. Review status: criteria provided, single submitter. Criteria: Invitae Variant Classification Sherloc (09022015). Collection method: clinical testing. Allele origin: germline.